The following is an entry in ClinVar:

NM_000051.4(ATM):c.1036A>G (p.Ile346Val)

Gene: ATM (ATM serine/threonine kinase; plus strand). Cytogenetic location: 11q22.3.
Variant type: single nucleotide variant.
Coding change: c.1036A>G on transcript NM_000051.4 (MANE Select); coding-DNA position 1036, A replaced by G.
Protein change: p.Ile346Val; replaces isoleucine 346 with valine.
Molecular consequence: missense variant.
Genome position (GRCh38, 1-based): chr11:108,247,098, A>G. VCF-style: chr11-108247098-A-G. GRCh37 (hg19) VCF-style: chr11-108117825-A-G.
Other names: c.1036A>G, p.Ile346Val (NM_001351834.2); short protein forms I346V.
Identifiers: ClinVar variation 580475 (VCV000580475.12), dbSNP rs1565375699, ClinGen allele CA382531674.
Genomic context (GRCh38, chr11:108,247,098, plus strand): 5'-ATAGGAAGTAGAGGAAAGTATTCTTCAGGATTTCGTAATATTGCCGTCAAAGAAAATTTG[A>G]TTGAATTGATGGCAGATATCTGTCACCAGGTACAGTAAGTAGGTCATGTCACATTTAGAA-3'
Protein context (NP_000042.3, residues 336-356): FRNIAVKENL[Ile346Val]ELMADICHQV

ClinVar aggregate classification (germline): Uncertain significance. Review status: criteria provided, multiple submitters, no conflicts (2 of 4 stars). 4 submissions from 4 submitters: Uncertain significance (4). Last evaluated 2025-09-30.

Conditions:
Hereditary cancer-predisposing syndrome. Also called: Hereditary neoplastic syndrome; Tumor predisposition; Hereditary Cancer Syndrome; Neoplastic Syndromes, Hereditary. Identifiers: Orphanet 140162, MedGen C0027672, MeSH D009386, MONDO:0015356.
Ataxia-telangiectasia syndrome (AT). Also called: Cerebello-oculocutaneous telangiectasia; Immunodeficiency with ataxia telangiectasia; Ataxia telangiectasia (A-T); Ataxia-telangiectasia, complementation group E; LOUIS-BAR SYNDROME; Ataxia-telangiectasia. Identifiers: Orphanet 100, MedGen C0004135, MONDO:0008840, OMIM 208900.

Submissions (4):

Quest Diagnostics Nichols Institute San Juan Capistrano
Classification: Uncertain significance. Last evaluated: 2025-09-30. Review status: criteria provided, single submitter. Criteria: Quest Diagnostics criteria. Collection method: clinical testing. Allele origin: unknown.

Labcorp Genetics (formerly Invitae), Labcorp
Classification: Uncertain significance for Ataxia-telangiectasia syndrome. Last evaluated: 2023-09-15. Review status: criteria provided, single submitter. Criteria: Invitae Variant Classification Sherloc (09022015). Collection method: clinical testing. Allele origin: germline.
Comment: In summary, the available evidence is currently insufficient to determine the role of this variant in disease. Therefore, it has been classified as a Variant of Uncertain Significance. Algorithms developed to predict the effect of missense changes on protein structure and function output the following: SIFT: "Not Available"; PolyPhen-2: "Benign"; Align-GVGD: "Not Available". The valine amino acid residue is found in multiple mammalian species, which suggests that this missense change does not adversely affect protein function. ClinVar contains an entry for this variant (Variation ID: 580475). This variant has not been reported in the literature in individuals affected with ATM-related conditions. This variant is not present in population databases (gnomAD no frequency). This sequence change replaces isoleucine, which is neutral and non-polar, with valine, which is neutral and non-polar, at codon 346 of the ATM protein (p.Ile346Val).

GeneDx
Classification: Uncertain significance. Last evaluated: 2023-05-01. Review status: criteria provided, single submitter. Criteria: GeneDx Variant Classification Process June 2021. Collection method: clinical testing. Allele origin: germline. Affected: yes.
Comment: Not observed at significant frequency in large population cohorts (gnomAD); In silico analysis supports that this missense variant does not alter protein structure/function; Has not been previously published as pathogenic or benign to our knowledge

Ambry Genetics
Classification: Uncertain significance for Hereditary cancer-predisposing syndrome. Last evaluated: 2021-03-22. Review status: criteria provided, single submitter. Criteria: Ambry Variant Classification Scheme 2023. Collection method: clinical testing. Allele origin: germline.
Comment: The p.I346V variant (also known as c.1036A>G), located in coding exon 7 of the ATM gene, results from an A to G substitution at nucleotide position 1036. The isoleucine at codon 346 is replaced by valine, an amino acid with highly similar properties. This amino acid position is well conserved in available vertebrate species. In addition, this alteration is predicted to be tolerated by in silico analysis. Since supporting evidence is limited at this time, the clinical significance of this alteration remains unclear.